The following is an entry in ClinVar:

NM_005245.4(FAT1):c.2918A>G (p.Asn973Ser)

Gene: FAT1 (FAT atypical cadherin 1; minus strand). Cytogenetic location: 4q35.2.
Variant type: single nucleotide variant.
Coding change: c.2918A>G on transcript NM_005245.4 (MANE Select); coding-DNA position 2918, A replaced by G.
Protein change: p.Asn973Ser; replaces asparagine 973 with serine.
Molecular consequence: missense variant.
Genome position (GRCh38, 1-based): chr4:186,706,910, T>C on the plus strand (A>G on the coding strand, the complement: FAT1 is on the minus strand). VCF-style: chr4-186706910-T-C. GRCh37 (hg19) VCF-style: chr4-187628064-T-C.
Other names: c.2918A>G, p.Asn973Ser (NM_001440455.1, NM_001440456.1, NM_001440457.1); short protein forms N973S.
Identifiers: ClinVar variation 5008167 (VCV005008167.1).

ClinVar aggregate classification (germline): Uncertain significance (1 of 4 stars; one submission).

Submission:

GeneDx
Classification: Uncertain significance. Last evaluated: 2026-02-27. Review status: criteria provided, single submitter. Criteria: GeneDx Variant Classification Process June 2021. Collection method: clinical testing. Allele origin: germline.
Comment: Not observed at significant frequency in large population cohorts (gnomAD); In silico analysis suggests that this missense variant does not alter protein structure/function; Has not been previously published as pathogenic or benign to our knowledge